The following is an entry in ClinVar:

NM_000091.5(COL4A3):c.3G>A (p.Met1Ile)

Genes: COL4A3 (collagen type IV alpha 3 chain; plus strand), COL4A4 (collagen type IV alpha 4 chain; minus strand), LOC129935730 (ATAC-STARR-seq lymphoblastoid silent region 12397; plus strand). Cytogenetic location: 2q36.3.
Variant type: single nucleotide variant.
Coding change: c.3G>A on transcript NM_000091.5 (MANE Select); coding-DNA position 3, G replaced by A.
Protein change: p.Met1Ile; changes the start codon (methionine 1).
Molecular consequence: missense variant, initiator codon variant.
Genome position (GRCh38, 1-based): chr2:227,164,729, G>A. VCF-style: chr2-227164729-G-A. GRCh37 (hg19) VCF-style: chr2-228029445-G-A.
Other names: short protein forms M1I.
Identifiers: ClinVar variation 4081614 (VCV004081614.2).
Genomic context (GRCh38, chr2:227,164,729, plus strand): 5'-GGTGGCCTGAGAGCCTGAGGGTCCCCGGACTCGCCCAGGCTCTGAGCGCGCGCCCACCAT[G>A]AGCGCCCGGACCGCCCCCAGGCCGCAGGTGCTCCTGCTGCCGCTCCTGCTGGTGCTCCTG-3'
Protein context (NP_000082.2, residues 1-11): [Met1Ile]SARTAPRPQV

ClinVar aggregate classification (germline): Pathogenic/Likely pathogenic. Review status: criteria provided, multiple submitters, no conflicts (2 of 4 stars). 2 submissions from 2 submitters: Pathogenic (1); Likely pathogenic (1). Last evaluated 2025-05-06.

Conditions:
Alport syndrome 3b, autosomal recessive. Identifiers: MedGen C5882699, MONDO:0957811, OMIM 620536.
Alport syndrome. Also called: Hemorrhagic familial nephritis; Hemorrhagic hereditary nephritis; Congenital hereditary hematuria. Identifiers: Orphanet 63, MedGen C1567741, MONDO:0018965.

Submissions (2):

Myriad Genetics, Inc.
Classification: Pathogenic for Alport syndrome. Last evaluated: 2025-05-06. Review status: criteria provided, single submitter. Criteria: Myriad Autosomal Dominant, Autosomal Recessive and X-Linked Classification Criteria (2023). Collection method: clinical testing. Allele origin: unknown.
Comment: NM_000091.4(COL4A3):c.3G>A(M1?) is an initiation codon variant classified as pathogenic in the context of Alport syndrome, COL4A3-related. M1? has been observed in a case with relevant disease (PMID: 34626894). Relevant functional assessments of this variant are not available in the literature. M1? has not been observed in referenced population frequency databases. In summary, NM_000091.4(COL4A3):c.3G>A(M1?) is an initiation codon variant in a gene where loss of function is a known mechanism of disease, is predicted to disrupt protein function, and has been observed more frequently in cases with the relevant disease than in healthy populations. Please note: this variant was assessed in the context of healthy population screening.

Clinical Genetics and Genomics, Karolinska University Hospital
Classification: Likely pathogenic for Alport syndrome 3b, autosomal recessive. Last evaluated: 2025-03-14. Review status: criteria provided, single submitter. Criteria: ACMG Guidelines, 2015. Collection method: clinical testing. Allele origin: germline. Inheritance: Autosomal recessive inheritance. Affected: yes.

Literature cited by the submitters: PubMed 34626894 (cited by Myriad Genetics, Inc.).